The following is an entry in ClinVar:

NM_032790.3(ORAI1):c.67_75del

Genes: ORAI1 (ORAI calcium release-activated calcium modulator 1; plus strand), LOC130008987 (ATAC-STARR-seq lymphoblastoid silent region 4981; plus strand). Cytogenetic location: 12q24.31.
Variant type: Deletion.
Coding change: c.67_75del on transcript NM_032790.3; coding-DNA positions 67 to 75, 9 bases deleted (ACCACCAGC; older notation c.67_75delACCACCAGC).
Molecular consequence: non-coding transcript variant (on NR_186857.1).
Genome position (GRCh38, 1-based): chr12:121,626,809-121,626,817, ACCACCAGC deleted; deleting any 9 consecutive bases within chr12:121,626,805-121,626,817 gives the same sequence; the c. name uses the placement nearest the transcript's 3' end. VCF-style (leftmost placement, unchanged base first): chr12-121626804-GCAGCACCAC-G. GRCh37 (hg19) VCF-style: chr12-122064709-GCAGCACCAC-G.
Other names: p.Thr23_Ser25del.
Identifiers: ClinVar variation 3380126 (VCV003380126.1).

ClinVar aggregate classification (germline): Uncertain significance (1 of 4 stars; one submission).

Submission:

Mayo Clinic Laboratories, Mayo Clinic
Classification: Uncertain significance. Last evaluated: 2024-02-02. Review status: criteria provided, single submitter. Criteria: ACMG Guidelines, 2015. Collection method: clinical testing. Allele origin: germline. Observed: 1 variant allele.
Comment: PM2_moderate